The following is an entry in ClinVar:

NM_000548.5(TSC2):c.1165A>G (p.Thr389Ala)

Gene: TSC2 (TSC complex subunit 2; plus strand). Cytogenetic location: 16p13.3.
Variant type: single nucleotide variant.
Coding change: c.1165A>G on transcript NM_000548.5 (MANE Select); coding-DNA position 1165, A replaced by G.
Protein change: p.Thr389Ala; replaces threonine 389 with alanine.
Molecular consequence: missense variant. On other transcripts: 5 prime UTR variant (10), non-coding transcript variant (5).
Genome position (GRCh38, 1-based): chr16:2,061,916, A>G. VCF-style: chr16-2061916-A-G. GRCh37 (hg19) VCF-style: chr16-2111917-A-G.
Other names: c.1108A>G, p.Thr370Ala (NM_001406677.1); c.1054A>G, p.Thr352Ala (NM_001406678.1, NM_001406670.1, NM_001318827.2); c.1018A>G, p.Thr340Ala (NM_001406679.1, NM_001406675.1, NM_001406676.1 and 1 more transcripts); c.565A>G, p.Thr189Ala (NM_001406680.1, NM_001406682.1, NM_001406683.1 and 6 more transcripts); c.703A>G, p.Thr235Ala (NM_001406681.1); c.-180A>G (NM_001406689.1, NM_001406690.1, NM_001406691.1 and 4 more transcripts); c.-148A>G (NM_001406694.1, NM_001406695.1); c.-356A>G (NM_001406698.1); and 4 more; short protein forms T189A, T235A, T340A, T385A, T370A, T389A, T400A, T419A.
Identifiers: ClinVar variation 2626460 (VCV002626460.6), dbSNP rs2151155127, ClinGen allele CA394320257.

ClinVar aggregate classification (germline): Uncertain significance. Review status: criteria provided, multiple submitters, no conflicts (2 of 4 stars). 3 submissions from 3 submitters: Uncertain significance (3). Last evaluated 2024-04-09.

Conditions:
Tuberous sclerosis 2 (TSC2). Identifiers: Orphanet 805, MedGen C1860707, MONDO:0013199, OMIM 613254.
Hereditary cancer-predisposing syndrome. Also called: Tumor predisposition; Neoplastic Syndromes, Hereditary; Hereditary Cancer Syndrome; Hereditary neoplastic syndrome. Identifiers: Orphanet 140162, MedGen C0027672, MeSH D009386, MONDO:0015356.

Allele frequency attached by ClinVar (database versions not stated): gnomAD exomes below 0.00001.
gnomAD v4.1: 1 of 1,614,140 alleles (0.000062%); highest among the groups gnomAD compares: African/African-American, 0.0013%; no homozygotes.

Submissions (3):

GeneDx
Classification: Uncertain significance. Last evaluated: 2024-04-09. Review status: criteria provided, single submitter. Criteria: GeneDx Variant Classification Process June 2021. Collection method: clinical testing. Allele origin: germline. Affected: yes.
Comment: Not observed at significant frequency in large population cohorts (gnomAD); In silico analysis supports that this missense variant has a deleterious effect on protein structure/function; Has not been previously published as pathogenic or benign to our knowledge; This variant is associated with the following publications: (PMID: 18466115)

Labcorp Genetics (formerly Invitae), Labcorp
Classification: Uncertain significance for Tuberous sclerosis 2. Last evaluated: 2023-11-13. Review status: criteria provided, single submitter. Criteria: Invitae Variant Classification Sherloc (09022015). Collection method: clinical testing. Allele origin: germline.
Comment: This sequence change replaces threonine, which is neutral and polar, with alanine, which is neutral and non-polar, at codon 389 of the TSC2 protein (p.Thr389Ala). This variant is not present in population databases (gnomAD no frequency). This variant has not been reported in the literature in individuals affected with TSC2-related conditions. Advanced modeling of protein sequence and biophysical properties (such as structural, functional, and spatial information, amino acid conservation, physicochemical variation, residue mobility, and thermodynamic stability) performed at Invitae indicates that this missense variant is not expected to disrupt TSC2 protein function with a negative predictive value of 95%. In summary, the available evidence is currently insufficient to determine the role of this variant in disease. Therefore, it has been classified as a Variant of Uncertain Significance.

Ambry Genetics
Classification: Uncertain significance for Hereditary cancer-predisposing syndrome. Last evaluated: 2023-09-10. Review status: criteria provided, single submitter. Criteria: Ambry Variant Classification Scheme 2023. Collection method: clinical testing. Allele origin: germline.
Comment: The p.T389A variant (also known as c.1165A>G), located in coding exon 11 of the TSC2 gene, results from an A to G substitution at nucleotide position 1165. The threonine at codon 389 is replaced by alanine, an amino acid with similar properties. This amino acid position is conserved. In addition, the in silico prediction for this alteration is inconclusive. Since supporting evidence is limited at this time, the clinical significance of this alteration remains unclear.